The following is an entry in ClinVar:

NM_001854.4(COL11A1):c.4807C>T (p.Pro1603Ser)

Gene: COL11A1 (collagen type XI alpha 1 chain; minus strand). Cytogenetic location: 1p21.1.
Variant type: single nucleotide variant.
Coding change: c.4807C>T on transcript NM_001854.4 (MANE Select); coding-DNA position 4807, C replaced by T.
Protein change: p.Pro1603Ser; replaces proline 1603 with serine.
Molecular consequence: missense variant. On other transcripts: non-coding transcript variant (1).
Genome position (GRCh38, 1-based): chr1:102,886,858, G>A on the plus strand (C>T on the coding strand, the complement: COL11A1 is on the minus strand). VCF-style: chr1-102886858-G-A. GRCh37 (hg19) VCF-style: chr1-103352414-G-A.
Other names: c.4690C>T, p.Pro1564Ser (NM_001190709.2); c.4843C>T, p.Pro1615Ser (NM_080629.3); c.4459C>T, p.Pro1487Ser (NM_080630.4); short protein forms P1487S, P1564S, P1603S, P1615S.
Identifiers: ClinVar variation 3368936 (VCV003368936.1).
Genomic context (GRCh38, chr1:102,886,858, plus strand): 5'-TTTACATACCATCTGGGAAGTCAGGATGGCTGAGTTGCAGGTCTTTACAAGTTCGGGCTG[G>A]ATTGGTCTGAGTACCCATTGGAAATTTCATATGCTCAATGTCTTGTTTCAGGGAATTGAG-3'
Protein context (NP_001845.3, residues 1593-1613): MKFPMGTQTN[Pro1603Ser]ARTCKDLQLS

ClinVar aggregate classification (germline): Uncertain significance (1 of 4 stars; one submission).

Submission:

GeneDx
Classification: Uncertain significance. Last evaluated: 2024-02-07. Review status: criteria provided, single submitter. Criteria: GeneDx Variant Classification Process June 2021. Collection method: clinical testing. Allele origin: germline. Affected: yes.
Comment: Not observed at significant frequency in large population cohorts (gnomAD); In silico analysis supports that this missense variant has a deleterious effect on protein structure/function; Has not been previously published as pathogenic or benign to our knowledge